The following is an entry in ClinVar:

ClinVar aggregate classification (germline): Uncertain significance. Review status: criteria provided, multiple submitters, no conflicts (2 of 4 stars). 2 submissions from 2 submitters: Uncertain significance (2). Last evaluated 2025-04-11.

Conditions:
Inborn genetic diseases. Identifiers: MedGen C0950123, MeSH D030342.

Allele frequency attached by ClinVar (database versions not stated): gnomAD 0.00007 and 0.00008; TOPMed 0.00006; ESP Exome Variant Server 0.00008.
gnomAD v4.1: 24 of 1,613,794 alleles (0.0015%); highest among the groups gnomAD compares: African/African-American, 0.023%; no homozygotes.

Submissions (2):

Ambry Genetics
Classification: Uncertain significance for Inborn genetic diseases. Last evaluated: 2025-04-11. Review status: criteria provided, single submitter. Criteria: Ambry Variant Classification Scheme 2023. Collection method: clinical testing. Allele origin: germline.

Labcorp Genetics (formerly Invitae), Labcorp
Classification: Uncertain significance. Last evaluated: 2024-10-23. Review status: criteria provided, single submitter. Criteria: Invitae Variant Classification Sherloc (09022015). Collection method: clinical testing. Allele origin: germline.
Comment: This sequence change replaces serine, which is neutral and polar, with cysteine, which is neutral and slightly polar, at codon 287 of the KIAA1549 protein (p.Ser287Cys). This variant is present in population databases (rs369303006, gnomAD 0.03%). This missense change has been observed in individual(s) with retinitis pigmentosa (internal data). ClinVar contains an entry for this variant (Variation ID: 860777). An algorithm developed to predict the effect of missense changes on protein structure and function (PolyPhen-2) suggests that this variant is likely to be disruptive. In summary, the available evidence is currently insufficient to determine the role of this variant in disease. Therefore, it has been classified as a Variant of Uncertain Significance.

NM_001164665.2(KIAA1549):c.860C>G (p.Ser287Cys)

Gene: KIAA1549 (KIAA1549; minus strand). Cytogenetic location: 7q34.
Variant type: single nucleotide variant.
Coding change: c.860C>G on transcript NM_001164665.2 (MANE Select); coding-DNA position 860, C replaced by G.
Protein change: p.Ser287Cys; replaces serine 287 with cysteine.
Molecular consequence: missense variant.
Genome position (GRCh38, 1-based): chr7:138,918,766, G>C on the plus strand (C>G on the coding strand, the complement: KIAA1549 is on the minus strand). VCF-style: chr7-138918766-G-C. GRCh37 (hg19) VCF-style: chr7-138603512-G-C.
Other names: c.860C>G, p.Ser287Cys (NM_020910.3); short protein forms S287C.
Identifiers: ClinVar variation 860777 (VCV000860777.9), dbSNP rs369303006, ClinGen allele CA4506848.